The following is an entry in ClinVar:

NM_002936.6(RNASEH1):c.759G>A (p.Gly253=)

Gene: RNASEH1 (ribonuclease H1; minus strand). Cytogenetic location: 2p25.3.
Variant type: single nucleotide variant.
Coding change: c.759G>A on transcript NM_002936.6 (MANE Select); coding-DNA position 759, G replaced by A.
Protein change: p.Gly253=; no amino-acid change (glycine 253 retained).
Molecular consequence: synonymous variant. On other transcripts: non-coding transcript variant (7).
Genome position (GRCh38, 1-based): chr2:3,547,946, C>T on the plus strand (G>A on the coding strand, the complement: RNASEH1 is on the minus strand). VCF-style: chr2-3547946-C-T. GRCh37 (hg19) VCF-style: chr2-3595536-C-T.
Other names: c.681G>A, p.Gly227= (NM_001286834.3); c.408G>A, p.Gly136= (NM_001286837.3); c.759G>A, p.Gly253= (NM_001378271.1); c.756G>A, p.Gly252= (NM_001378272.1); c.744G>A, p.Gly248= (NM_001378273.1).
Identifiers: ClinVar variation 3778012 (VCV003778012.7).

ClinVar aggregate classification (germline): Likely benign (1 of 4 stars; one submission).

gnomAD v4.1: 9 of 1,613,656 alleles (0.00056%); highest among the groups gnomAD compares: Admixed American, 0.0067%; no homozygotes.

Submission:

CeGaT Center for Human Genetics Tuebingen
Classification: Likely benign. Last evaluated: 2025-03-01. Review status: criteria provided, single submitter. Criteria: CeGaT Center For Human Genetics Tuebingen Variant Classification Criteria Version 2. Collection method: clinical testing. Allele origin: germline. Affected: yes. Observed: 1 variant allele.
Comment: RNASEH1: BP4, BP7